The following is an entry in ClinVar:

ClinVar aggregate classification (germline): Likely pathogenic (1 of 4 stars; one submission).

Conditions:
Idiopathic Pulmonary Fibrosis. Also called: Idiopathic fibrosing alveolitis, chronic form; idiopathic fibrosing alveolitis. Identifiers: Orphanet 2032, MedGen C1800706, MeSH D054990, MONDO:0800504.
Dyskeratosis congenita, autosomal dominant 2. Identifiers: MedGen C3151443, MONDO:0013521, OMIM 613989.

Submission:

Labcorp Genetics (formerly Invitae), Labcorp
Classification: Likely pathogenic for Dyskeratosis congenita, autosomal dominant 2; Idiopathic Pulmonary Fibrosis. Last evaluated: 2022-04-25. Review status: criteria provided, single submitter. Criteria: Invitae Variant Classification Sherloc (09022015). Collection method: clinical testing. Allele origin: germline.
Comment: This variant results in the deletion of part of exon 8 (c.2382+235_2453del) of the TERT gene. It is expected to disrupt RNA splicing. Variants that disrupt the donor or acceptor splice site typically lead to a loss of protein function (PMID: 16199547), and loss-of-function variants in TERT are known to be pathogenic (PMID: 16247010, 17460043). This variant is not present in population databases (gnomAD no frequency). This variant has not been reported in the literature in individuals affected with TERT-related conditions. In summary, the currently available evidence indicates that the variant is pathogenic, but additional data are needed to prove that conclusively. Therefore, this variant has been classified as Likely Pathogenic.

Literature cited by the submitters: PubMed 16199547; PubMed 16247010; PubMed 17460043.

NM_198253.3(TERT):c.2382+235_2453del

Gene: TERT (telomerase reverse transcriptase; minus strand). Cytogenetic location: 5p15.33.
Variant type: Deletion.
Coding change: c.2382+235_2453del on transcript NM_198253.3 (MANE Select); 235 bases into the intron after coding-DNA position 2382 through coding-DNA position 2453, 817 bases deleted.
Molecular consequence: splice acceptor variant.
Genome position (GRCh38, 1-based): chr5:1,271,134-1,271,950, 817 bases deleted. GRCh37 (hg19): chr5:1,271,250-1,272,066.
Other names: c.2382+235_2453del (NM_001193376.3).
Identifiers: ClinVar variation 2130791 (VCV002130791.4), dbSNP rs2478199968, ClinGen allele CA2580072013.